The following is an entry in ClinVar:

NM_003611.3(OFD1):c.991C>T (p.Gln331Ter)

Gene: OFD1 (OFD1 centriole and centriolar satellite protein; plus strand). Cytogenetic location: Xp22.2.
Variant type: single nucleotide variant.
Coding change: c.991C>T on transcript NM_003611.3 (MANE Select); coding-DNA position 991, C replaced by T.
Protein change: p.Gln331Ter; replaces glutamine 331 with a stop codon.
Molecular consequence: nonsense. On other transcripts: intron variant (1).
Genome position (GRCh38, 1-based): chrX:13,751,304, C>T. VCF-style: chrX-13751304-C-T. GRCh37 (hg19) VCF-style: chrX-13769423-C-T.
Other names: c.571C>T, p.Gln191Ter (NM_001330210.2); c.935+1771C>T (NM_001330209.2); short protein forms Q331*, Q191*.
Identifiers: ClinVar variation 488753 (VCV000488753.4), dbSNP rs1555904005, ClinGen allele CA412339741.

ClinVar aggregate classification (germline): Conflicting classifications of pathogenicity. Review status: criteria provided, conflicting classifications (1 of 4 stars). 2 submissions from 2 submitters: Likely pathogenic (1); Uncertain significance (1). Last evaluated 2024-09-17.

Conditions:
Joubert syndrome 10 (JBTS10). Identifiers: Orphanet 2754, MedGen C2749019, MONDO:0010431, OMIM 300804.

Submissions (2):

GeneDx
Classification: Uncertain significance. Last evaluated: 2024-09-17. Review status: criteria provided, single submitter. Criteria: GeneDx Variant Classification Process June 2021. Collection method: clinical testing. Allele origin: germline. Affected: yes.
Comment: Nonsense variant predicted to result in protein truncation or nonsense mediated decay in a gene or region of a gene for which loss of function is not a well-established mechanism of disease; Observed as an inherited hemizygous variant in an individual with a neurological indication for genome sequencing; however, patient-specific clinical detail was not provided (PMID: 37334785); Not observed at significant frequency in large population cohorts (gnomAD); This variant is associated with the following publications: (PMID: 37334785)

Baylor Genetics
Classification: Likely pathogenic for Joubert syndrome 10. Last evaluated: 2022-03-01. Review status: criteria provided, single submitter. Criteria: ACMG Guidelines, 2015. Collection method: clinical testing. Allele origin: unknown.